The following is an entry in ClinVar:

NM_001191061.2(SLC25A22):c.254C>A (p.Ala85Glu)

Gene: SLC25A22 (solute carrier family 25 member 22; minus strand). Cytogenetic location: 11p15.5.
Variant type: single nucleotide variant.
Coding change: c.254C>A on transcript NM_001191061.2 (MANE Select); coding-DNA position 254, C replaced by A.
Protein change: p.Ala85Glu; replaces alanine 85 with glutamic acid.
Molecular consequence: missense variant.
Genome position (GRCh38, 1-based): chr11:793,568, G>T on the plus strand (C>A on the coding strand, the complement: SLC25A22 is on the minus strand). VCF-style: chr11-793568-G-T. GRCh37 (hg19) VCF-style: chr11-793568-G-T.
Other names: c.254C>A, p.Ala85Glu (NM_001191060.2, NM_024698.6); short protein forms A85E.
Identifiers: ClinVar variation 409630 (VCV000409630.9), dbSNP rs1060502507, ClinGen allele CA16613644.

ClinVar aggregate classification (germline): Uncertain significance (1 of 4 stars; one submission).

Conditions:
Early-infantile DEE. Also called: Ohtahara syndrome; Early infantile epileptic encephalopathy with suppression bursts; Early infantile epileptic encephalopathy. Identifiers: Orphanet 1934, MedGen C0393706, MONDO:0800491.

Allele frequency attached by ClinVar (database versions not stated): TOPMed below 0.00001.

Submission:

Labcorp Genetics (formerly Invitae), Labcorp
Classification: Uncertain significance for Early-infantile DEE. Last evaluated: 2020-06-07. Review status: criteria provided, single submitter. Criteria: Invitae Variant Classification Sherloc (09022015). Collection method: clinical testing. Allele origin: germline.
Comment: In summary, this variant is a novel missense change with uncertain impact on protein function. It has been classified as a Variant of Uncertain Significance. Algorithms developed to predict the effect of missense changes on protein structure and function do not agree on the potential impact of this missense change (SIFT: "Deleterious"; PolyPhen-2: "Probably Damaging"; Align-GVGD: "Class C0"). This variant is not present in population databases (ExAC no frequency) and has not been reported in the literature in individuals with an SLC25A22-related disease. This sequence change replaces alanine with glutamic acid at codon 85 of the SLC25A22 protein (p.Ala85Glu). The alanine residue is highly conserved and there is a moderate physicochemical difference between alanine and glutamic acid.